The following is an entry in ClinVar:

ClinVar aggregate classification (germline): Uncertain significance (1 of 4 stars; one submission).

Submission:

Labcorp Genetics (formerly Invitae), Labcorp
Classification: Uncertain significance. Last evaluated: 2025-06-12. Review status: criteria provided, single submitter. Criteria: Invitae Variant Classification Sherloc (09022015). Collection method: clinical testing. Allele origin: germline.
Comment: This sequence change replaces arginine, which is basic and polar, with histidine, which is basic and polar, at codon 379 of the KRT74 protein (p.Arg379His). This variant is present in population databases (rs143748352, gnomAD 0.03%). This variant has not been reported in the literature in individuals affected with KRT74-related conditions. ClinVar contains an entry for this variant (Variation ID: 2713725). An algorithm developed to predict the effect of missense changes on protein structure and function (PolyPhen-2) suggests that this variant is likely to be disruptive. In summary, the available evidence is currently insufficient to determine the role of this variant in disease. Therefore, it has been classified as a Variant of Uncertain Significance.

NM_175053.4(KRT74):c.1136G>A (p.Arg379His)

Gene: KRT74 (keratin 74; minus strand). Cytogenetic location: 12q13.13.
Variant type: single nucleotide variant.
Coding change: c.1136G>A on transcript NM_175053.4 (MANE Select); coding-DNA position 1136, G replaced by A.
Protein change: p.Arg379His; replaces arginine 379 with histidine.
Molecular consequence: missense variant.
Genome position (GRCh38, 1-based): chr12:52,568,388, C>T on the plus strand (G>A on the coding strand, the complement: KRT74 is on the minus strand). VCF-style: chr12-52568388-C-T. GRCh37 (hg19) VCF-style: chr12-52962172-C-T.
Other names: short protein forms R379H.
Identifiers: ClinVar variation 2713725 (VCV002713725.3), dbSNP rs143748352, ClinGen allele CA6583752.
Genomic context (GRCh38, chr12:52,568,388, plus strand): 5'-TCCTTCAGGGCATTGTCTCCCCGCTGCTCAGCGTCAGCGATGGCCGTCTCCAGGCTGGCA[C>T]GCTGAAGGGCAAAGAACAGAGAGACCATCAGAACAGAAAATTACATTTAGCTCATACCAG-3'
Protein context (NP_778223.2, residues 369-389): RCEIGNVKKQ[Arg379His]ASLETAIADA